The following is an entry in ClinVar:

ClinVar aggregate classification (germline): Benign/Likely benign. Review status: criteria provided, multiple submitters, no conflicts (2 of 4 stars). 9 submissions from 9 submitters: Benign (4); Likely benign (4). 1 of the submissions does not count toward it. Last evaluated 2026-09-01.

Conditions:
ADNP-related multiple congenital anomalies - intellectual disability - autism spectrum disorder. Also called: ADNP-Related Helsmoortel-Van der Aa Syndrome; Helsmoortel-Van der Aa Syndrome. Identifiers: Orphanet 404448, MedGen C4014538, MONDO:0014379, OMIM 615873. Disease mechanism: loss of function.
ADNP-related disorder. Also called: ADNP-related condition.
Inborn genetic diseases. Identifiers: MedGen C0950123, MeSH D030342.

Submissions (9):

CeGaT Center for Human Genetics Tuebingen
Classification: Benign. Last evaluated: 2026-09-01. Review status: criteria provided, single submitter. Criteria: CeGaT Center For Human Genetics Tuebingen Variant Classification Criteria Version 2. Collection method: clinical testing. Allele origin: germline. Affected: yes. Observed: 22 variant alleles.
Comment: ADNP: PM4:Supporting, BS1, BS2

Labcorp Genetics (formerly Invitae), Labcorp
Classification: Likely benign. Last evaluated: 2026-01-31. Review status: criteria provided, single submitter. Criteria: Invitae Variant Classification Sherloc (09022015). Collection method: clinical testing. Allele origin: germline.

Blueprint Genetics
Classification: Likely benign. Last evaluated: 2024-11-28. Review status: criteria provided, single submitter. Criteria: ACMG Guidelines, 2015. Collection method: clinical testing. Allele origin: germline.

Genome-Nilou Lab
Classification: Benign for ADNP-related multiple congenital anomalies - intellectual disability - autism spectrum disorder. Last evaluated: 2021-12-05. Review status: criteria provided, single submitter. Criteria: ACMG Guidelines, 2015. Collection method: clinical testing. Allele origin: germline. Affected: no.

Mendelics
Classification: Likely benign for ADNP-related multiple congenital anomalies - intellectual disability - autism spectrum disorder. Last evaluated: 2019-05-28. Review status: criteria provided, single submitter. Criteria: Mendelics Assertion Criteria 2017. Collection method: clinical testing. Allele origin: unknown.

GeneDx
Classification: Benign. Last evaluated: 2019-02-08. Review status: criteria provided, single submitter. Criteria: GeneDx Variant Classification Process June 2021. Collection method: clinical testing. Allele origin: germline. Affected: yes.

Ambry Genetics
Classification: Likely benign for Inborn genetic diseases. Last evaluated: 2018-06-12. Review status: criteria provided, single submitter. Criteria: Ambry Variant Classification Scheme 2023. Collection method: clinical testing. Allele origin: germline.

Genetic Services Laboratory, University of Chicago
Classification: Benign. Last evaluated: 2017-09-11. Review status: criteria provided, single submitter. Criteria: ACMG Guidelines, 2015. Collection method: clinical testing. Allele origin: germline. Affected: no.

PreventionGenetics, part of Exact Sciences
Classification: Likely benign for ADNP-related condition. Last evaluated: 2019-05-08. Review status: no assertion criteria provided. Collection method: clinical testing. Allele origin: germline. Not counted in ClinVar's aggregate classification.
Comment: This variant is classified as likely benign based on ACMG/AMP sequence variant interpretation guidelines (Richards et al. 2015 PMID: 25741868, with internal and published modifications).

NM_001282531.3(ADNP):c.422_424dup (p.Ser141dup)

Gene: ADNP (activity dependent neuroprotector homeobox; minus strand). Cytogenetic location: 20q13.13.
Variant type: Duplication.
Coding change: c.422_424dup on transcript NM_001282531.3 (MANE Select); coding-DNA positions 422 to 424, 3 bases duplicated (GCA; older notation c.422_424dupGCA).
Protein change: p.Ser141dup; duplicates serine 141.
Molecular consequence: inframe insertion.
Genome position (GRCh38, 1-based): chr20:50,894,290-50,894,292, TGC duplicated on the plus strand (GCA on the coding strand, the reverse complement: ADNP is on the minus strand); duplicating any 3 consecutive bases within chr20:50,894,290-50,894,294 gives the same sequence; the c. name uses the placement nearest the transcript's 3' end. VCF-style (leftmost placement, unchanged base first): chr20-50894289-G-GTGC. GRCh37 (hg19) VCF-style: chr20-49510826-G-GTGC.
Other names: c.422_424dup, p.Ser141dup (NM_001282532.2, NM_001347511.2, NM_015339.5 and 1 more transcripts); c.422_424dupGCA (NM_015339.2, NM_001282531.2).
Identifiers: ClinVar variation 434092 (VCV000434092.50), dbSNP rs577498739, ClinGen allele CA9908885.